The following is an entry in ClinVar:

ClinVar aggregate classification (germline): Pathogenic. Review status: criteria provided, multiple submitters, no conflicts (2 of 4 stars). 5 submissions from 5 submitters: Pathogenic (5). Last evaluated 2025-12-08.

Conditions:
Hereditary cancer-predisposing syndrome. Also called: Hereditary neoplastic syndrome; Neoplastic Syndromes, Hereditary; Tumor predisposition; Hereditary Cancer Syndrome. Identifiers: Orphanet 140162, MedGen C0027672, MeSH D009386, MONDO:0015356.
Familial adenomatous polyposis 1 (FAP1). Also called: FAMILIAL ADENOMATOUS POLYPOSIS 1, ATTENUATED; POLYPOSIS, ADENOMATOUS INTESTINAL. Identifiers: MedGen C2713442, MONDO:0021056, OMIM 175100. Disease mechanism: loss of function.

Submissions (5):

Ambry Genetics
Classification: Pathogenic for Hereditary cancer-predisposing syndrome. Last evaluated: 2025-12-08. Review status: criteria provided, single submitter. Criteria: Ambry Variant Classification Scheme 2023. Collection method: clinical testing. Allele origin: germline.
Comment: The c.2527_2530delAGTT pathogenic mutation, located in coding exon 15 of the APC gene, results from a deletion of 4 nucleotides at nucleotide positions 2527 to 2530, causing a translational frameshift with a predicted alternate stop codon (p.S843Lfs*17). This alteration occurs at the 3' terminus of the gene, is not expected to trigger nonsense-mediated mRNA decay, and impacts the last 70% of the protein. However, premature stop codons are typically deleterious in nature, and a significant portion of the protein is affected (Ambry internal data). This mutation was identified in 1/1164 unrelated German index patients with a clinical diagnosis of FAP or AFAP (Friedl W et al. Hered. Cancer Clin. Pract. 2005 Sep;3:95-114). This variant is considered to be rare based on population cohorts in the Genome Aggregation Database (gnomAD). Based on the supporting evidence, this variant is interpreted as a disease-causing mutation.

Labcorp Genetics (formerly Invitae), Labcorp
Classification: Pathogenic for Familial adenomatous polyposis 1. Last evaluated: 2024-09-17. Review status: criteria provided, single submitter. Criteria: Invitae Variant Classification Sherloc (09022015). Collection method: clinical testing. Allele origin: germline.
Comment: This sequence change creates a premature translational stop signal (p.Ser843Leufs*17) in the APC gene. While this is not anticipated to result in nonsense mediated decay, it is expected to disrupt the last 2001 amino acid(s) of the APC protein. This variant is not present in population databases (gnomAD no frequency). This premature translational stop signal has been observed in individual(s) with familial adenomatous polyposis (PMID: 17169185). ClinVar contains an entry for this variant (Variation ID: 246088). This variant is expected to disrupt the EB1 and HDLG binding sites, which mediate interactions with the cytoskeleton (PMID: 15311282, 17293347). While functional studies have not been performed to directly test the effect on APC protein function, this suggests that disruption of the C-terminal portion of the protein is functionally important. A different truncation (p.Tyr2645Lysfs*14) that lies downstream of this variant has been determined to be pathogenic (PMID: 9824584, 1316610, 27081525, 8381579, 22135120, internal data). This suggests that deletion of this region of the APC protein is causative of disease. For these reasons, this variant has been classified as Pathogenic.

Myriad Genetics, Inc.
Classification: Pathogenic for Familial adenomatous polyposis 1. Last evaluated: 2023-05-04. Review status: criteria provided, single submitter. Criteria: Myriad Autosomal Dominant, Autosomal Recessive and X-Linked Classification Criteria (2023). Collection method: clinical testing. Allele origin: unknown.
Comment: This variant is considered pathogenic. This variant creates a frameshift predicted to result in premature protein truncation.

GeneDx
Classification: Pathogenic. Last evaluated: 2016-02-02. Review status: criteria provided, single submitter. Criteria: GeneDx Variant Classification (06012015). Collection method: clinical testing. Allele origin: germline. Affected: yes.
Comment: This deletion of 4 nucleotides in APC is denoted c.2527_2530delAGTT at the cDNA level and p.Ser843LeufsX17 (S843LfsX17) at the protein level. The normal sequence, with the bases that are deleted in braces, is AGAT[AGTT]CTCG. The deletion causes a frameshift, which changes a Serine to a Leucine at codon 843, and creates a premature stop codon at position 17 of the new reading frame. Even though this frameshift occurs in the last exon of the gene, and nonsense-mediated decay is not expected to occur, it is significant since the last 2001 amino acids are replaced by 16 incorrect amino acids. This variant is predicted to cause loss of normal protein function through protein truncation. APC Ser843LeufsX17 has been observed in patients with polyposis, as well as in at least one patient with classic familial adenomatous polyposis (FAP) and retinal pigment epithelial hyperplasia (Friedl 2005, Chen 2006, Plawski 2008). We consider this variant to be pathogenic.

University of Science and Technology Houari Boumediene, Laboratory of Molecular and Cellular Biology (LBCM)
Classification: Pathogenic for Familial adenomatous polyposis 1. Review status: criteria provided, single submitter. Criteria: ACMG Guidelines, 2015. Collection method: clinical testing. Allele origin: germline. Inheritance: Autosomal dominant inheritance. Affected: yes. Observed: 1 heterozygote.

Literature cited by the submitters: PubMed 16944273 (cited by Ambry Genetics); PubMed 17169185 (cited by Ambry Genetics and Labcorp Genetics (formerly Invitae), Labcorp); PubMed 19029688 (cited by Ambry Genetics); PubMed 20223039 (cited by Ambry Genetics); PubMed 15311282 (cited by Labcorp Genetics (formerly Invitae), Labcorp); PubMed 17293347 (cited by Labcorp Genetics (formerly Invitae), Labcorp); PubMed 9824584 (cited by Labcorp Genetics (formerly Invitae), Labcorp); PubMed 1316610 (cited by Labcorp Genetics (formerly Invitae), Labcorp); PubMed 27081525 (cited by Labcorp Genetics (formerly Invitae), Labcorp); PubMed 8381579 (cited by Labcorp Genetics (formerly Invitae), Labcorp); PubMed 22135120 (cited by Labcorp Genetics (formerly Invitae), Labcorp); PubMed 35142982 (cited by University of Science and Technology Houari Boumediene, Laboratory of Molecular and Cellular Biology (LBCM)).

NM_000038.6(APC):c.2527_2530del (p.Ser843fs)

Gene: APC (APC regulator of Wnt signaling pathway; plus strand). Cytogenetic location: 5q22.2.
Variant type: Deletion.
Coding change: c.2527_2530del on transcript NM_000038.6 (MANE Select); coding-DNA positions 2527 to 2530, 4 bases deleted (AGTT; older notation c.2527_2530delAGTT).
Protein change: p.Ser843fs; shifts the reading frame from serine 843.
Molecular consequence: frameshift variant.
Genome position (GRCh38, 1-based): chr5:112,838,121-112,838,124, AGTT deleted; deleting any 4 consecutive bases within chr5:112,838,120-112,838,124 gives the same sequence; the c. name uses the placement nearest the transcript's 3' end. VCF-style (leftmost placement, unchanged base first): chr5-112838119-ATAGT-A. GRCh37 (hg19) VCF-style: chr5-112173816-ATAGT-A.
Other names: c.2224_2227del, p.Ser742fs (NM_001354903.2); c.2149_2152del, p.Ser717fs (NM_001354904.2); c.2047_2050del, p.Ser683fs (NM_001354905.2); c.1678_1681del, p.Ser560fs (NM_001354906.2); c.2527_2530del, p.Ser843fs (NM_001127510.3, NM_001354895.2); c.2473_2476del, p.Ser825fs (NM_001127511.3); c.2581_2584del, p.Ser861fs (NM_001354896.2); c.2557_2560del, p.Ser853fs (NM_001354897.2); and 5 more; short protein forms S752fs, S784fs, S802fs, S560fs, S815fs, S818fs, S825fs, S717fs.
Identifiers: ClinVar variation 246088 (VCV000246088.17), dbSNP rs879254091, ClinGen allele CA10584244.